The following is an entry in ClinVar:

NM_001430.5(EPAS1):c.1123G>A (p.Asp375Asn)

Gene: EPAS1 (endothelial PAS domain protein 1; plus strand). Cytogenetic location: 2p21.
Variant type: single nucleotide variant.
Coding change: c.1123G>A on transcript NM_001430.5 (MANE Select); coding-DNA position 1123, G replaced by A.
Protein change: p.Asp375Asn; replaces aspartic acid 375 with asparagine.
Molecular consequence: missense variant.
Genome position (GRCh38, 1-based): chr2:46,376,627, G>A. VCF-style: chr2-46376627-G-A. GRCh37 (hg19) VCF-style: chr2-46603766-G-A.
Other names: short protein forms D375N.
Identifiers: ClinVar variation 2456697 (VCV002456697.2), dbSNP rs1484797263, ClinGen allele CA346703232.

ClinVar aggregate classification (germline): Uncertain significance (1 of 4 stars; one submission).

Conditions:
Inborn genetic diseases. Identifiers: MedGen C0950123, MeSH D030342.

Submission:

Ambry Genetics
Classification: Uncertain significance for Inborn genetic diseases. Last evaluated: 2022-11-11. Review status: criteria provided, single submitter. Criteria: Ambry Variant Classification Scheme 2023. Collection method: clinical testing. Allele origin: germline.
Comment: The p.D375N variant (also known as c.1123G>A), located in coding exon 9 of the EPAS1 gene, results from a G to A substitution at nucleotide position 1123. The aspartic acid at codon 375 is replaced by asparagine, an amino acid with highly similar properties. This amino acid position is conserved. In addition, this alteration is predicted to be tolerated by in silico analysis. Since supporting evidence is limited at this time, the clinical significance of this alteration remains unclear.